The following is an entry in ClinVar:

ClinVar aggregate classification (germline): Uncertain significance (1 of 4 stars; one submission).

Allele frequency attached by ClinVar (database versions not stated): TOPMed below 0.00001; gnomAD 0.00001.
gnomAD v4.1: 6 of 1,611,656 alleles (0.00037%); highest among the groups gnomAD compares: African/African-American, 0.0013%; no homozygotes.

Submission:

Labcorp Genetics (formerly Invitae), Labcorp
Classification: Uncertain significance. Last evaluated: 2018-07-24. Review status: criteria provided, single submitter. Criteria: Invitae Variant Classification Sherloc (09022015). Collection method: clinical testing. Allele origin: germline.
Comment: This sequence change replaces proline with alanine at codon 231 of the FAM134B protein (p.Pro231Ala). The proline residue is highly conserved and there is a small physicochemical difference between proline and alanine. In summary, the available evidence is currently insufficient to determine the role of this variant in disease. Therefore, it has been classified as a Variant of Uncertain Significance. Algorithms developed to predict the effect of missense changes on protein structure and function (SIFT, PolyPhen-2, Align-GVGD) all suggest that this variant is likely to be disruptive, but these predictions have not been confirmed by published functional studies and their clinical significance is uncertain. This variant has not been reported in the literature in individuals with FAM134B-related disease. This variant is not present in population databases (ExAC no frequency).

NM_001034850.3(RETREG1):c.691C>G (p.Pro231Ala)

Gene: RETREG1 (reticulophagy regulator 1; minus strand). Cytogenetic location: 5p15.1.
Variant type: single nucleotide variant.
Coding change: c.691C>G on transcript NM_001034850.3 (MANE Select); coding-DNA position 691, C replaced by G.
Protein change: p.Pro231Ala; replaces proline 231 with alanine.
Molecular consequence: missense variant.
Genome position (GRCh38, 1-based): chr5:16,478,967, G>C on the plus strand (C>G on the coding strand, the complement: RETREG1 is on the minus strand). VCF-style: chr5-16478967-G-C. GRCh37 (hg19) VCF-style: chr5-16479076-G-C.
Other names: c.268C>G, p.Pro90Ala (NM_019000.5); short protein forms P231A, P90A.
Identifiers: ClinVar variation 648533 (VCV000648533.9), dbSNP rs1389950630, ClinGen allele CA359258811.
Genomic context (GRCh38, chr5:16,478,967, plus strand): 5'-GCAGAACTGACTTAATTTTGCTGTAAATTTTTTGTCCAATATCATTACATTTAAACAATG[G>C]ACACAAAAATGCACACAGTACTGAAAGAAGAAAGAGAGCAGAGGTAAAATGCCTTTCCTT-3'
Protein context (NP_001030022.1, residues 221-241): YLLLLCAFLC[Pro231Ala]LFKCNDIGQK